The following is an entry in ClinVar:

ClinVar aggregate classification (germline): Uncertain significance (1 of 4 stars; one submission).

Submission:

Labcorp Genetics (formerly Invitae), Labcorp
Classification: Uncertain significance. Last evaluated: 2022-03-29. Review status: criteria provided, single submitter. Criteria: Invitae Variant Classification Sherloc (09022015). Collection method: clinical testing. Allele origin: germline.
Comment: In summary, the available evidence is currently insufficient to determine the role of this variant in disease. Therefore, it has been classified as a Variant of Uncertain Significance. Algorithms developed to predict the effect of missense changes on protein structure and function (SIFT, PolyPhen-2, Align-GVGD) all suggest that this variant is likely to be disruptive. This variant has not been reported in the literature in individuals affected with GRIA3-related conditions. This variant is not present in population databases (gnomAD no frequency). This sequence change replaces proline, which is neutral and non-polar, with serine, which is neutral and polar, at codon 664 of the GRIA3 protein (p.Pro664Ser).

NM_007325.5(GRIA3):c.1990C>T (p.Pro664Ser)

Gene: GRIA3 (glutamate ionotropic receptor AMPA type subunit 3; plus strand). Cytogenetic location: Xq25.
Variant type: single nucleotide variant.
Coding change: c.1990C>T on transcript NM_007325.5 (MANE Select); coding-DNA position 1990, C replaced by T.
Protein change: p.Pro664Ser; replaces proline 664 with serine.
Molecular consequence: missense variant.
Genome position (GRCh38, 1-based): chrX:123,428,053, C>T. VCF-style: chrX-123428053-C-T. GRCh37 (hg19) VCF-style: chrX-122561904-C-T.
Other names: c.1990C>T, p.Pro664Ser (NM_000828.5); short protein forms P664S.
Identifiers: ClinVar variation 2105386 (VCV002105386.4), dbSNP rs2521237794, ClinGen allele CA414259957.